The following is an entry in ClinVar:

ClinVar aggregate classification (germline): Pathogenic (1 of 4 stars; one submission).

Conditions:
Deficiency of alpha-mannosidase (MANSA). Also called: Mannosidosis, alpha-, types I and II; Alpha-Mannosidosis; LYSOSOMAL ALPHA-D-MANNOSIDASE DEFICIENCY. Identifiers: Orphanet 61, MedGen C0024748, MONDO:0009561, OMIM 248500.

Allele frequency attached by ClinVar (database versions not stated): gnomAD exomes below 0.00001; ExAC 0.00001.
gnomAD v4.1: 1 of 1,614,016 alleles (0.000062%); no homozygotes.

Submission:

Women's Health and Genetics/Laboratory Corporation of America, LabCorp
Classification: Pathogenic for Deficiency of alpha-mannosidase. Last evaluated: 2022-08-18. Review status: criteria provided, single submitter. Criteria: LabCorp Variant Classification Summary - May 2015. Collection method: clinical testing. Allele origin: germline.
Comment: Variant summary: MAN2B1 c.2088G>A (p.Trp696X) results in a premature termination codon, predicted to cause a truncation of the encoded protein or absence of the protein due to nonsense mediated decay, which are commonly known mechanisms for disease. Truncations downstream of this position have been classified as pathogenic by our laboratory. The variant allele was found at a frequency of 4e-06 in 251372 control chromosomes (gnomAD). c.2088G>A has been reported in the literature in multiple homozygous individuals affected with Alpha-Mannosidosis (example: Dixon-Salazar_2012). These data indicate that the variant is very likely to be associated with disease. No clinical diagnostic laboratories have submitted clinical-significance assessments for this variant to ClinVar after 2014. Based on the evidence outlined above, the variant was classified as pathogenic.

Literature cited by the submitters: PubMed 22700954.

NM_000528.4(MAN2B1):c.2088G>A (p.Trp696Ter)

Gene: MAN2B1 (mannosidase alpha class 2B member 1; minus strand). Cytogenetic location: 19p13.13.
Variant type: single nucleotide variant.
Coding change: c.2088G>A on transcript NM_000528.4 (MANE Select); coding-DNA position 2088, G replaced by A.
Protein change: p.Trp696Ter; replaces tryptophan 696 with a stop codon.
Molecular consequence: nonsense.
Genome position (GRCh38, 1-based): chr19:12,650,181, C>T on the plus strand (G>A on the coding strand, the complement: MAN2B1 is on the minus strand). VCF-style: chr19-12650181-C-T. GRCh37 (hg19) VCF-style: chr19-12760995-C-T.
Other names: c.2085G>A, p.Trp695Ter (NM_001173498.2); short protein forms W695*, W696*.
Identifiers: ClinVar variation 1705127 (VCV001705127.1), dbSNP rs764376758, ClinGen allele CA9226201.
Genomic context (GRCh38, chr19:12,650,181, plus strand): 5'-CACCGACCACTCTAGCTCCAGGTGCCGCTGTCCTGGGTACAGGCGAACCACCTGGGAACA[C>T]CAAGCTGAGAAGTTCTGGTGCACCTCCTGCACCAAGGGTGTCTGCGGGCACACGGGTGAG-3'